The following is an entry in ClinVar:

ClinVar aggregate classification (germline): Uncertain significance. Review status: criteria provided, multiple submitters, no conflicts (2 of 4 stars). 2 submissions from 2 submitters: Uncertain significance (2). Last evaluated 2025-07-08.

Conditions:
Hereditary nonpolyposis colorectal neoplasms. Identifiers: MedGen C0009405, MeSH D003123.
Hereditary cancer-predisposing syndrome. Also called: Neoplastic Syndromes, Hereditary; Tumor predisposition; Hereditary Cancer Syndrome; Hereditary neoplastic syndrome. Identifiers: Orphanet 140162, MedGen C0027672, MeSH D009386, MONDO:0015356.

Submissions (2):

Labcorp Genetics (formerly Invitae), Labcorp
Classification: Uncertain significance for Hereditary nonpolyposis colorectal neoplasms. Last evaluated: 2025-07-08. Review status: criteria provided, single submitter. Criteria: Invitae Variant Classification Sherloc (09022015). Collection method: clinical testing. Allele origin: germline.
Comment: This sequence change replaces arginine, which is basic and polar, with lysine, which is basic and polar, at codon 581 of the MSH6 protein (p.Arg581Lys). This variant is not present in population databases (gnomAD no frequency). This variant has not been reported in the literature in individuals affected with MSH6-related conditions. ClinVar contains an entry for this variant (Variation ID: 1779224). Invitae Evidence Modeling of protein sequence and biophysical properties (such as structural, functional, and spatial information, amino acid conservation, physicochemical variation, residue mobility, and thermodynamic stability) indicates that this missense variant is not expected to disrupt MSH6 protein function with a negative predictive value of 95%. In summary, the available evidence is currently insufficient to determine the role of this variant in disease. Therefore, it has been classified as a Variant of Uncertain Significance.

Ambry Genetics
Classification: Uncertain significance for Hereditary cancer-predisposing syndrome. Last evaluated: 2025-05-30. Review status: criteria provided, single submitter. Criteria: Ambry Variant Classification Scheme 2023. Collection method: clinical testing. Allele origin: germline.
Comment: The p.R581K variant (also known as c.1742G>A), located in coding exon 4 of the MSH6 gene, results from a G to A substitution at nucleotide position 1742. The arginine at codon 581 is replaced by lysine, an amino acid with highly similar properties. This amino acid position is highly conserved in available vertebrate species. In addition, this alteration is predicted to be deleterious by in silico analysis. Based on the available evidence, the clinical significance of this variant remains unclear.

NM_000179.3(MSH6):c.1742G>A (p.Arg581Lys)

Gene: MSH6 (mutS homolog 6; plus strand). Cytogenetic location: 2p16.3.
Variant type: single nucleotide variant.
Coding change: c.1742G>A on transcript NM_000179.3 (MANE Select); coding-DNA position 1742, G replaced by A.
Protein change: p.Arg581Lys; replaces arginine 581 with lysine.
Molecular consequence: missense variant.
Genome position (GRCh38, 1-based): chr2:47,799,725, G>A. VCF-style: chr2-47799725-G-A. GRCh37 (hg19) VCF-style: chr2-48026864-G-A.
Other names: c.1445G>A, p.Arg482Lys (NM_001406797.1, NM_001406801.1, NM_001406805.1 and 10 more transcripts); c.1838G>A, p.Arg613Lys (NM_001406802.1, NM_001406795.1); c.1742G>A, p.Arg581Lys (NM_001406798.1, NM_001406800.1, NM_001406796.1 and 3 more transcripts); c.1217G>A, p.Arg406Lys (NM_001406799.1, NM_001406806.1, NM_001406807.1); c.1352G>A, p.Arg451Lys (NM_001281492.2); c.836G>A, p.Arg279Lys (NM_001281493.2, NM_001281494.2, NM_001406811.1 and 6 more transcripts); c.1664G>A, p.Arg555Lys (NM_001406804.1); c.1748G>A, p.Arg583Lys (NM_001406813.1); and 1 more; short protein forms R406K, R451K, R279K, R482K, R583K, R613K, R525K, R555K.
Identifiers: ClinVar variation 1779224 (VCV001779224.5), dbSNP rs2104364766, ClinGen allele CA346748854.